The following is an entry in ClinVar:

ClinVar aggregate classification (germline): Benign. Review status: criteria provided, multiple submitters, no conflicts (2 of 4 stars). 2 submissions from 2 submitters: Benign (2). Last evaluated 2018-06-14.

Allele frequency attached by ClinVar (database versions not stated): 1000 Genomes Project 0.59645; 1000 Genomes Project 30x 0.59822; gnomAD 0.62900 and 0.63087; TOPMed 0.62923.
gnomAD v4.1: 868,196 of 1,287,604 alleles (67%); highest among the groups gnomAD compares: Admixed American, 73%; 296,373 homozygotes.

Submissions (2):

GeneDx
Classification: Benign. Last evaluated: 2018-06-14. Review status: criteria provided, single submitter. Criteria: GeneDx Variant Classification (06012015). Collection method: clinical testing. Allele origin: germline. Affected: yes.
Comment: This variant is considered likely benign or benign based on one or more of the following criteria: it is a conservative change, it occurs at a poorly conserved position in the protein, it is predicted to be benign by multiple in silico algorithms, and/or has population frequency not consistent with disease.

Breakthrough Genomics
Classification: Benign. Review status: criteria provided, single submitter. Criteria: ACMG Guidelines, 2015. Collection method: not provided. Allele origin: germline. Inheritance: Autosomal dominant inheritance. Affected: yes.

NM_001127217.3(SMAD9):c.782-69G>T

Gene: SMAD9 (SMAD family member 9; minus strand). Cytogenetic location: 13q13.3.
Variant type: single nucleotide variant.
Coding change: c.782-69G>T on transcript NM_001127217.3 (MANE Select); 69 bases into the intron before coding-DNA position 782, G replaced by T.
Molecular consequence: intron variant.
Genome position (GRCh38, 1-based): chr13:36,865,827, C>A on the plus strand (G>T on the coding strand, the complement: SMAD9 is on the minus strand). VCF-style: chr13-36865827-C-A. GRCh37 (hg19) VCF-style: chr13-37439964-C-A.
Other names: c.671-69G>T (NM_005905.6, NM_001378621.1).
Identifiers: ClinVar variation 672486 (VCV000672486.2), dbSNP rs3748305, ClinGen allele CA13785994.